The following is an entry in ClinVar:

NM_005761.3(PLXNC1):c.1821G>A (p.Ala607=)

Gene: PLXNC1 (plexin C1; plus strand). Cytogenetic location: 12q22.
Variant type: single nucleotide variant.
Coding change: c.1821G>A on transcript NM_005761.3 (MANE Select); coding-DNA position 1821, G replaced by A.
Protein change: p.Ala607=; no amino-acid change (alanine 607 retained).
Molecular consequence: synonymous variant.
Genome position (GRCh38, 1-based): chr12:94,226,635, G>A. VCF-style: chr12-94226635-G-A. GRCh37 (hg19) VCF-style: chr12-94620411-G-A.
Identifiers: ClinVar variation 774706 (VCV000774706.29), dbSNP rs114617018, ClinGen allele CA6720659.

ClinVar aggregate classification (germline): Benign/Likely benign. Review status: criteria provided, multiple submitters, no conflicts (2 of 4 stars). 3 submissions from 3 submitters: Benign (2); Likely benign (1). Last evaluated 2022-11-01.

Allele frequency attached by ClinVar (database versions not stated): 1000 Genomes Project 0.00319; 1000 Genomes Project 30x 0.00375; ExAC 0.00648; gnomAD exomes 0.00663 and 0.00986; TOPMed 0.00755; ESP Exome Variant Server 0.00800.
gnomAD v4.1: 15,528 of 1,613,638 alleles (0.96%); highest among the groups gnomAD compares: Non-Finnish European, 1.1%; 105 homozygotes.

Submissions (3):

CeGaT Center for Human Genetics Tuebingen
Classification: Likely benign. Last evaluated: 2022-11-01. Review status: criteria provided, single submitter. Criteria: CeGaT Center For Human Genetics Tuebingen Variant Classification Criteria Version 2. Collection method: clinical testing. Allele origin: germline. Affected: yes. Observed: 1 variant allele.
Comment: PLXNC1: BP4, BP7, BS2

Labcorp Genetics (formerly Invitae), Labcorp
Classification: Benign. Last evaluated: 2019-12-31. Review status: criteria provided, single submitter. Criteria: Invitae Variant Classification Sherloc (09022015). Collection method: clinical testing. Allele origin: germline.

Breakthrough Genomics
Classification: Benign. Review status: criteria provided, single submitter. Criteria: ACMG Guidelines, 2015. Collection method: not provided. Allele origin: germline. Inheritance: Unknown mechanism. Affected: yes.